The following is an entry in ClinVar:

ClinVar aggregate classification (germline): Uncertain significance (1 of 4 stars; one submission).

Conditions:
Inborn genetic diseases. Identifiers: MedGen C0950123, MeSH D030342.

Submission:

Ambry Genetics
Classification: Uncertain significance for Inborn genetic diseases. Last evaluated: 2026-07-19. Review status: criteria provided, single submitter. Criteria: Ambry Variant Classification Scheme 2023. Collection method: clinical testing. Allele origin: germline.
Comment: The p.S947L variant (also known as c.2840C>T), located in coding exon 29 of the FANCA gene, results from a C to T substitution at nucleotide position 2840. The serine at codon 947 is replaced by leucine, an amino acid with dissimilar properties. This amino acid position is conserved. In addition, this alteration is predicted to be deleterious by in silico analysis. Based on the available evidence, the clinical significance of this variant remains unclear.

NM_000135.4(FANCA):c.2840C>T (p.Ser947Leu)

Gene: FANCA (FA complementation group A; minus strand). Cytogenetic location: 16q24.3.
Variant type: single nucleotide variant.
Coding change: c.2840C>T on transcript NM_000135.4 (MANE Select); coding-DNA position 2840, C replaced by T.
Protein change: p.Ser947Leu; replaces serine 947 with leucine.
Molecular consequence: missense variant.
Genome position (GRCh38, 1-based): chr16:89,761,961, G>A on the plus strand (C>T on the coding strand, the complement: FANCA is on the minus strand). VCF-style: chr16-89761961-G-A. GRCh37 (hg19) VCF-style: chr16-89828369-G-A.
Other names: c.2840C>T, p.Ser947Leu (NM_001286167.3); short protein forms S947L.
Identifiers: ClinVar variation 5036365 (VCV005036365.1).